The following is an entry in ClinVar:

ClinVar aggregate classification (germline): Uncertain significance (1 of 4 stars; one submission).

Conditions:
Tuberous sclerosis 1 (TSC1). Identifiers: Orphanet 805, MedGen C1854465, MONDO:0008612, OMIM 191100.

gnomAD v4.1: 1 of 1,614,024 alleles (0.000062%); highest among the groups gnomAD compares: Non-Finnish European, 0.000085%; no homozygotes.

Submission:

Labcorp Genetics (formerly Invitae), Labcorp
Classification: Uncertain significance for Tuberous sclerosis 1. Last evaluated: 2024-04-05. Review status: criteria provided, single submitter. Criteria: Invitae Variant Classification Sherloc (09022015). Collection method: clinical testing. Allele origin: germline.
Comment: This sequence change replaces serine, which is neutral and polar, with arginine, which is basic and polar, at codon 525 of the TSC1 protein (p.Ser525Arg). This variant is not present in population databases (gnomAD no frequency). This variant has not been reported in the literature in individuals affected with TSC1-related conditions. ClinVar contains an entry for this variant (Variation ID: 1393603). Advanced modeling of protein sequence and biophysical properties (such as structural, functional, and spatial information, amino acid conservation, physicochemical variation, residue mobility, and thermodynamic stability) performed at Invitae indicates that this missense variant is not expected to disrupt TSC1 protein function with a negative predictive value of 95%. In summary, the available evidence is currently insufficient to determine the role of this variant in disease. Therefore, it has been classified as a Variant of Uncertain Significance.

NM_000368.5(TSC1):c.1573A>C (p.Ser525Arg)

Gene: TSC1 (TSC complex subunit 1; minus strand). Cytogenetic location: 9q34.13.
Variant type: single nucleotide variant.
Coding change: c.1573A>C on transcript NM_000368.5 (MANE Select); coding-DNA position 1573, A replaced by C.
Protein change: p.Ser525Arg; replaces serine 525 with arginine.
Molecular consequence: missense variant.
Genome position (GRCh38, 1-based): chr9:132,906,005, T>G on the plus strand (A>C on the coding strand, the complement: TSC1 is on the minus strand). VCF-style: chr9-132906005-T-G. GRCh37 (hg19) VCF-style: chr9-135781392-T-G.
Other names: c.1570A>C, p.Ser524Arg (NM_001162426.2); c.1420A>C, p.Ser474Arg (NM_001162427.2); c.1210A>C, p.Ser404Arg (NM_001362177.2); short protein forms S525R, S524R, S404R, S474R.
Identifiers: ClinVar variation 1393603 (VCV001393603.6), dbSNP rs1845647074, ClinGen allele CA375365022.